The following is an entry in ClinVar:

NM_000016.6(ACADM):c.404T>C (p.Ile135Thr)

Gene: ACADM (acyl-CoA dehydrogenase medium chain; plus strand). Cytogenetic location: 1p31.1.
Variant type: single nucleotide variant.
Coding change: c.404T>C on transcript NM_000016.6 (MANE Select); coding-DNA position 404, T replaced by C.
Protein change: p.Ile135Thr; replaces isoleucine 135 with threonine.
Molecular consequence: missense variant. On other transcripts: intron variant (1).
Genome position (GRCh38, 1-based): chr1:75,734,807, T>C. VCF-style: chr1-75734807-T-C. GRCh37 (hg19) VCF-style: chr1-76200492-T-C.
Other names: c.404T>C (NM_000016.4); c.416T>C, p.Ile139Thr (NM_001127328.3); c.296T>C, p.Ile99Thr (NM_001286042.2); c.503T>C, p.Ile168Thr (NM_001286043.2); c.-100+1885T>C (NM_001286044.2); short protein forms I168T, I99T, I135T, I139T.
Identifiers: ClinVar variation 2888508 (VCV002888508.3), dbSNP rs767864911, ClinGen allele CA913098.
Genomic context (GRCh38, chr1:75,734,807, plus strand): 5'-CAATAAAAATGACTTGATTTTTTAATGTCAATTTTCTTCGGTAGCAAATGCCTATTATTA[T>C]TGCTGGAAATGATCAACAAAAGAAGAAGTATTTGGGGAGAATGACTGAGGAGCCATTGAT-3'
Protein context (NP_000007.1, residues 125-145): GNSLGQMPII[Ile135Thr]AGNDQQKKKY

ClinVar aggregate classification (germline): Uncertain significance. Review status: criteria provided, multiple submitters, no conflicts (2 of 4 stars). 3 submissions from 3 submitters: Uncertain significance (3). Last evaluated 2025-11-26.

Conditions:
Inborn genetic diseases. Identifiers: MedGen C0950123, MeSH D030342.
Medium-chain acyl-coenzyme A dehydrogenase deficiency (ACADMD). Also called: Medium chain acyl-CoA dehydrogenase deficiency; ACADM DEFICIENCY; CARNITINE DEFICIENCY SECONDARY TO MEDIUM-CHAIN ACYL-CoA DEHYDROGENASE DEFICIENCY; MCAD Deficiency; MCADH DEFICIENCY; MCADD. Identifiers: Orphanet 42, MedGen C0220710, MONDO:0008721, OMIM 201450.

Allele frequency attached by ClinVar (database versions not stated): gnomAD 0.00001; gnomAD exomes 0.00001; ExAC 0.00003.
gnomAD v4.1: 8 of 1,613,536 alleles (0.0005%); highest among the groups gnomAD compares: South Asian, 0.0011%; no homozygotes.

Submissions (3):

Ambry Genetics
Classification: Uncertain significance for Inborn genetic diseases. Last evaluated: 2025-11-26. Review status: criteria provided, single submitter. Criteria: Ambry Variant Classification Scheme 2023. Collection method: clinical testing. Allele origin: germline.

Women's Health and Genetics/Laboratory Corporation of America, LabCorp
Classification: Uncertain significance. Last evaluated: 2024-09-20. Review status: criteria provided, single submitter. Criteria: LabCorp Variant Classification Summary - May 2015. Collection method: clinical testing. Allele origin: germline.
Comment: Variant summary: ACADM c.404T>C (p.Ile135Thr) results in a non-conservative amino acid change located in the Acyl-CoA dehydrogenase/oxidase, N-terminal domain (IPR013786) of the encoded protein sequence. Four of five in-silico tools predict a damaging effect of the variant on protein function. The variant allele was found at a frequency of 1.2e-05 in 251098 control chromosomes. The available data on variant occurrences in the general population are insufficient to allow any conclusion about variant significance. To our knowledge, no occurrence of c.404T>C in individuals affected with Medium Chain Acyl-CoA Dehydrogenase Deficiency and no experimental evidence demonstrating its impact on protein function have been reported. ClinVar contains an entry for this variant (Variation ID: 2888508). Based on the evidence outlined above, the variant was classified as uncertain significance.

Labcorp Genetics (formerly Invitae), Labcorp
Classification: Uncertain significance for Medium-chain acyl-coenzyme A dehydrogenase deficiency. Last evaluated: 2023-09-30. Review status: criteria provided, single submitter. Criteria: Invitae Variant Classification Sherloc (09022015). Collection method: clinical testing. Allele origin: germline.
Comment: In summary, the available evidence is currently insufficient to determine the role of this variant in disease. Therefore, it has been classified as a Variant of Uncertain Significance. Advanced modeling of protein sequence and biophysical properties (such as structural, functional, and spatial information, amino acid conservation, physicochemical variation, residue mobility, and thermodynamic stability) performed at Invitae indicates that this missense variant is not expected to disrupt ACADM protein function. This variant has not been reported in the literature in individuals affected with ACADM-related conditions. This variant is present in population databases (rs767864911, gnomAD 0.003%). This sequence change replaces isoleucine, which is neutral and non-polar, with threonine, which is neutral and polar, at codon 135 of the ACADM protein (p.Ile135Thr).